The following is an entry in ClinVar:

NM_022124.6(CDH23):c.2159G>A (p.Arg720Gln)

Gene: CDH23 (cadherin related 23; plus strand). Cytogenetic location: 10q22.1.
Variant type: single nucleotide variant.
Coding change: c.2159G>A on transcript NM_022124.6 (MANE Select); coding-DNA position 2159, G replaced by A.
Protein change: p.Arg720Gln; replaces arginine 720 with glutamine.
Molecular consequence: missense variant.
Genome position (GRCh38, 1-based): chr10:71,690,567, G>A. VCF-style: chr10-71690567-G-A. GRCh37 (hg19) VCF-style: chr10-73450324-G-A.
Other names: c.2159G>A, p.Arg720Gln (NM_001171930.2, NM_001171931.2); short protein forms R720Q.
Identifiers: ClinVar variation 1065081 (VCV001065081.9), dbSNP rs768074758, ClinGen allele CA5544105.

ClinVar aggregate classification (germline): Uncertain significance. Review status: criteria provided, multiple submitters, no conflicts (2 of 4 stars). 6 submissions from 6 submitters: Uncertain significance (6). Last evaluated 2025-11-06.

Conditions:
Retinal dystrophy. Also called: Inherited retinal dystrophy. Identifiers: Orphanet 71862, MedGen C0854723, MeSH D058499, MONDO:0019118, HP:0000556.
Hearing impairment. Also called: Impaired Hearing. Identifiers: MedGen C1384666, MONDO:0005365, HP:0000365.
CDH23-related disorder. Also called: CDH23-related disorders; CDH23-related condition.

Allele frequency attached by ClinVar (database versions not stated): ExAC 0.00003; gnomAD 0.00003 and 0.00002; gnomAD exomes 0.00003 and 0.00002; TOPMed 0.00002.
gnomAD v4.1: 28 of 1,603,276 alleles (0.0017%); highest among the groups gnomAD compares: South Asian, 0.0079%; no homozygotes.

Submissions (6):

PreventionGenetics, part of Exact Sciences
Classification: Uncertain significance for CDH23-related condition. Last evaluated: 2025-11-06. Review status: criteria provided, single submitter. Criteria: ACMG Guidelines, 2015. Collection method: clinical testing. Allele origin: germline.
Comment: The CDH23 c.2159G>A variant is predicted to result in the amino acid substitution p.Arg720Gln. This varianthas been reported, with another missense variant in the gene, in an individual with hearing loss (Kang et al. 2022. PubMed ID: 36468022). This variant is reported in 0.011% of alleles in individuals of East Asian descent in gnomAD. At this time, the clinical significance of this variant is uncertain due to the absence of conclusive functional and genetic evidence.

Labcorp Genetics (formerly Invitae), Labcorp
Classification: Uncertain significance. Last evaluated: 2022-07-05. Review status: criteria provided, single submitter. Criteria: Invitae Variant Classification Sherloc (09022015). Collection method: clinical testing. Allele origin: germline.
Comment: This sequence change replaces arginine, which is basic and polar, with glutamine, which is neutral and polar, at codon 720 of the CDH23 protein (p.Arg720Gln). This variant is present in population databases (rs768074758, gnomAD 0.006%). This variant has not been reported in the literature in individuals affected with CDH23-related conditions. ClinVar contains an entry for this variant (Variation ID: 1065081). Algorithms developed to predict the effect of missense changes on protein structure and function are either unavailable or do not agree on the potential impact of this missense change (SIFT: "Deleterious"; PolyPhen-2: "Not Available"; Align-GVGD: "Class C35"). Algorithms developed to predict the effect of sequence changes on RNA splicing suggest that this variant may create or strengthen a splice site. In summary, the available evidence is currently insufficient to determine the role of this variant in disease. Therefore, it has been classified as a Variant of Uncertain Significance.

GeneDx
Classification: Uncertain significance. Last evaluated: 2022-05-04. Review status: criteria provided, single submitter. Criteria: GeneDx Variant Classification Process June 2021. Collection method: clinical testing. Allele origin: germline. Affected: yes.
Comment: In silico analysis supports that this missense variant does not alter protein structure/function; Has not been previously published as pathogenic or benign to our knowledge

Blueprint Genetics
Classification: Uncertain significance. Last evaluated: 2022-04-27. Review status: criteria provided, single submitter. Criteria: ACMG Guidelines, 2015. Collection method: clinical testing. Allele origin: germline.

Department of Otolaryngology – Head & Neck Surgery, Cochlear Implant Center
Classification: Uncertain significance for Hearing impairment. Last evaluated: 2021-04-12. Review status: criteria provided, single submitter. Criteria: ClinGen HL ACMG Specifications v1. Collection method: clinical testing. Allele origin: germline. Affected: yes.
Comment: PM2_Moderate

Institute of Human Genetics, Univ. Regensburg, Univ. Regensburg
Classification: Uncertain significance for Retinal dystrophy. Last evaluated: 2020-01-01. Review status: criteria provided, single submitter. Criteria: ACMG Guidelines, 2015. Collection method: clinical testing. Allele origin: germline. Affected: yes.

Literature cited by the submitters: PubMed 36468022 (cited by Institute of Human Genetics, Univ. Regensburg, Univ. Regensburg).